The following is an entry in ClinVar:

NC_000007.14:g.156779556C>T

Genes: LMBR1 (limb development membrane protein 1; minus strand), SHH (sonic hedgehog signaling molecule; minus strand). Cytogenetic location: 7q36.3.
Variant type: single nucleotide variant.
Molecular consequence: intron variant (on NM_022458.4).
Genome position: GRCh38 VCF-style: chr7-156779556-C-T. GRCh37 (hg19) VCF-style: chr7-156572250-C-T.
Other names: c.361-15761G>A (NM_001363412.2); c.145-15761G>A (NM_001350954.2); c.424-15761G>A (NM_001363410.2, NM_022458.4, NM_001363409.2 and 1 more transcripts); c.-34+99G>A (NM_001350958.2, NM_001350956.2, NM_001350955.2 and 1 more transcripts); c.55-15761G>A (NM_001350957.2, NM_001363411.2).
Identifiers: ClinVar variation 2779061 (VCV002779061.3), dbSNP rs1826746235, ClinGen allele CA1109170004.
Genomic context (GRCh38, chr7:156,779,556, plus strand): 5'-CACTTGTAGACACACAGATTTCTTTTAGATTTAAATGGGAACTAAATGGATAGTCTACTA[C>T]ACTCAAATGGTTATGATATAATTGCTTCTTGGAATTTTTGTGCTGGTCAATTATACATTT-3'

ClinVar aggregate classification (germline): Uncertain significance (1 of 4 stars; one submission).

Conditions:
Holoprosencephaly 3 (HPE3). Identifiers: Orphanet 2162, MedGen C1840529, MONDO:0007733, OMIM 142945.

Allele frequency attached by ClinVar (database versions not stated): TOPMed below 0.00001; gnomAD 0.00001.
gnomAD v4.1: 2 of 418,130 alleles (0.00048%); highest among the groups gnomAD compares: Admixed American, 0.003%; no homozygotes.

Submission:

Labcorp Genetics (formerly Invitae), Labcorp
Classification: Uncertain significance for Holoprosencephaly 3. Last evaluated: 2023-03-13. Review status: criteria provided, single submitter. Criteria: Invitae Variant Classification Sherloc (09022015). Collection method: clinical testing. Allele origin: germline.
Comment: In summary, the available evidence is currently insufficient to determine the role of this variant in disease. Therefore, it has been classified as a Variant of Uncertain Significance. Experimental studies and prediction algorithms are not available or were not evaluated, and the functional significance of this variant is currently unknown. This variant has not been reported in the literature in individuals affected with SHH-related conditions. This variant is not present in population databases (gnomAD no frequency). This variant occurs in a non-coding region of the SHH gene. It does not change the encoded amino acid sequence of the SHH protein.